The following is an entry in ClinVar:

NM_181882.3(PRX):c.1174C>T (p.Arg392Ter)

Gene: PRX (periaxin; minus strand). Cytogenetic location: 19q13.2.
Variant type: single nucleotide variant.
Coding change: c.1174C>T on transcript NM_181882.3 (MANE Select); coding-DNA position 1174, C replaced by T.
Protein change: p.Arg392Ter; replaces arginine 392 with a stop codon.
Molecular consequence: nonsense. On other transcripts: 3 prime UTR variant (1).
Genome position (GRCh38, 1-based): chr19:40,397,178, G>A on the plus strand (C>T on the coding strand, the complement: PRX is on the minus strand). VCF-style: chr19-40397178-G-A. GRCh37 (hg19) VCF-style: chr19-40903085-G-A.
Other names: c.*1379C>T (NM_020956.2); short protein forms R392*.
Identifiers: ClinVar variation 245870 (VCV000245870.9), dbSNP rs773009397, ClinGen allele CA9444311.

ClinVar aggregate classification (germline): Pathogenic/Likely pathogenic. Review status: criteria provided, multiple submitters, no conflicts (2 of 4 stars). 3 submissions from 3 submitters: Pathogenic (1); Likely pathogenic (1). 1 of the submissions does not count toward it. Last evaluated 2024-02-14.

Conditions:
Charcot-Marie-Tooth disease type 4. Also called: Charcot-Marie-Tooth disease, type IV; Charcot-Marie-Tooth, Type 4. Identifiers: Orphanet 64749, MedGen C4082197, MONDO:0018995.
Dejerine-Sottas disease. Also called: HMSN Type III; Hereditary motor and sensory neuropathy 3; Charcot-Marie-Tooth disease type 3; DEJERINE-SOTTAS NEUROPATHY; HEREDITARY MOTOR AND SENSORY NEUROPATHY TYPE III. Identifiers: Orphanet 64748, MedGen C0011195, MONDO:0007790, OMIM 145900.

Allele frequency attached by ClinVar (database versions not stated): gnomAD exomes 0.00002 and 0.00001; ExAC 0.00006; TOPMed 0.00001.

Submissions (3):

GeneDx
Classification: Likely pathogenic. Last evaluated: 2024-02-14. Review status: criteria provided, single submitter. Criteria: GeneDx Variant Classification Process June 2021. Collection method: clinical testing. Allele origin: germline. Affected: yes.
Comment: Nonsense variant in the C-terminus predicted to result in protein truncation, as the last 1070 amino acids are lost, and other loss-of-function variants have been reported downstream in the Human Gene Mutation Database (HGMD); Not observed at a significant frequency in large population cohorts (gnomAD); This variant is associated with the following publications: (PMID: 31589614, 37776383, 31426691, 37470010, 25628743)

Labcorp Genetics (formerly Invitae), Labcorp
Classification: Pathogenic for Charcot-Marie-Tooth disease type 4. Last evaluated: 2022-07-19. Review status: criteria provided, single submitter. Criteria: Invitae Variant Classification Sherloc (09022015). Collection method: clinical testing. Allele origin: germline.
Comment: This sequence change creates a premature translational stop signal (p.Arg392*) in the PRX gene. While this is not anticipated to result in nonsense mediated decay, it is expected to disrupt the last 1070 amino acid(s) of the PRX protein. This variant is present in population databases (rs773009397, gnomAD 0.006%). This premature translational stop signal has been observed in individual(s) with Dejerine-Sottas neuropathy (PMID: 25628743). In at least one individual the data is consistent with being in trans (on the opposite chromosome) from a pathogenic variant. ClinVar contains an entry for this variant (Variation ID: 245870). This variant disrupts a region of the PRX protein in which other variant(s) (p.Arg1070*) have been determined to be pathogenic (PMID: 15197604, 15469949, 16770524, 22847150, 26059842; Invitae). This suggests that this is a clinically significant region of the protein, and that variants that disrupt it are likely to be disease-causing. For these reasons, this variant has been classified as Pathogenic.

Inherited Neuropathy Consortium
Classification: Uncertain significance for Dejerine-Sottas disease. Review status: no assertion criteria provided. Collection method: literature only. Allele origin: germline. Affected: yes. Not counted in ClinVar's aggregate classification.

Literature cited by the submitters: PubMed 25628743 (cited by Labcorp Genetics (formerly Invitae), Labcorp and Inherited Neuropathy Consortium); PubMed 15197604 (cited by Labcorp Genetics (formerly Invitae), Labcorp); PubMed 15469949 (cited by Labcorp Genetics (formerly Invitae), Labcorp); PubMed 16770524 (cited by Labcorp Genetics (formerly Invitae), Labcorp); PubMed 22847150 (cited by Labcorp Genetics (formerly Invitae), Labcorp); PubMed 26059842 (cited by Labcorp Genetics (formerly Invitae), Labcorp).